The following is an entry in ClinVar:

ClinVar aggregate classification (germline): Likely benign. Review status: criteria provided, multiple submitters, no conflicts (2 of 4 stars). 2 submissions from 2 submitters: Likely benign (2). Last evaluated 2025-03-01.

Allele frequency attached by ClinVar (database versions not stated): gnomAD exomes 0.00003; TOPMed 0.00009; gnomAD 0.00011; ExAC 0.00012; 1000 Genomes Project 30x 0.00031; 1000 Genomes Project 0.00040.
gnomAD v4.1: 58 of 1,523,084 alleles (0.0038%); highest among the groups gnomAD compares: East Asian, 0.04%; 1 homozygote.

Submissions (2):

CeGaT Center for Human Genetics Tuebingen
Classification: Likely benign. Last evaluated: 2025-03-01. Review status: criteria provided, single submitter. Criteria: CeGaT Center For Human Genetics Tuebingen Variant Classification Criteria Version 2. Collection method: clinical testing. Allele origin: germline. Affected: yes. Observed: 2 variant alleles.
Comment: INTS1: BP4, BP7

Blueprint Genetics
Classification: Likely benign. Last evaluated: 2023-03-30. Review status: criteria provided, single submitter. Criteria: ACMG Guidelines, 2015. Collection method: clinical testing. Allele origin: germline.

NM_001080453.3(INTS1):c.4134C>T (p.Leu1378=)

Gene: INTS1 (integrator complex subunit 1; minus strand). Cytogenetic location: 7p22.3.
Variant type: single nucleotide variant.
Coding change: c.4134C>T on transcript NM_001080453.3 (MANE Select); coding-DNA position 4134, C replaced by T.
Protein change: p.Leu1378=; no amino-acid change (leucine 1378 retained).
Molecular consequence: synonymous variant.
Genome position (GRCh38, 1-based): chr7:1,479,625, G>A on the plus strand (C>T on the coding strand, the complement: INTS1 is on the minus strand). VCF-style: chr7-1479625-G-A. GRCh37 (hg19) VCF-style: chr7-1519261-G-A.
Other names: c.651C>T, p.Leu217= (NM_015674.1).
Identifiers: ClinVar variation 2657195 (VCV002657195.25), dbSNP rs369731152, ClinGen allele CA4118959.